The following is an entry in ClinVar:

ClinVar aggregate classification (germline): Uncertain significance (1 of 4 stars; one submission).

Submission:

GeneDx
Classification: Uncertain significance. Last evaluated: 2025-03-19. Review status: criteria provided, single submitter. Criteria: GeneDx Variant Classification Process June 2021. Collection method: clinical testing. Allele origin: germline. Affected: yes.
Comment: Not observed at significant frequency in large population cohorts (gnomAD); In silico analysis supports that this missense variant has a deleterious effect on protein structure/function; Has not been previously published as pathogenic or benign to our knowledge

NM_012082.4(ZFPM2):c.749T>G (p.Phe250Cys)

Genes: ZFPM2 (zinc finger protein, FOG family member 2; plus strand), ZFPM2-AS1 (ZFPM2 antisense RNA 1; minus strand). Cytogenetic location: 8q23.1.
Variant type: single nucleotide variant.
Coding change: c.749T>G on transcript NM_012082.4 (MANE Select); coding-DNA position 749, T replaced by G.
Protein change: p.Phe250Cys; replaces phenylalanine 250 with cysteine.
Molecular consequence: missense variant.
Genome position (GRCh38, 1-based): chr8:105,798,733, T>G. VCF-style: chr8-105798733-T-G. GRCh37 (hg19) VCF-style: chr8-106810961-T-G.
Other names: c.590T>G, p.Phe197Cys (NM_001362836.2); c.353T>G, p.Phe118Cys (NM_001362837.2); short protein forms F118C, F197C, F250C.
Identifiers: ClinVar variation 4086399 (VCV004086399.1).